The following is an entry in ClinVar:

NM_003801.4(GPAA1):c.405C>T (p.Ala135=)

Gene: GPAA1 (glycosylphosphatidylinositol anchor attachment 1; plus strand). Cytogenetic location: 8q24.3.
Variant type: single nucleotide variant.
Coding change: c.405C>T on transcript NM_003801.4 (MANE Select); coding-DNA position 405, C replaced by T.
Protein change: p.Ala135=; no amino-acid change (alanine 135 retained).
Molecular consequence: synonymous variant.
Genome position (GRCh38, 1-based): chr8:144,083,752, C>T. VCF-style: chr8-144083752-C-T. GRCh37 (hg19) VCF-style: chr8-145138655-C-T.
Identifiers: ClinVar variation 3057727 (VCV003057727.2), dbSNP rs201888630, ClinGen allele CA463540622.

ClinVar aggregate classification (germline): Likely benign (0 of 4 stars; one submission).

Conditions:
GPAA1-related disorder. Also called: GPAA1-related condition.

gnomAD v4.1: 1 of 1,605,110 alleles (0.000062%); highest among the groups gnomAD compares: South Asian, 0.0011%; no homozygotes.

Submission:

PreventionGenetics, part of Exact Sciences
Classification: Likely benign for GPAA1-related condition. Last evaluated: 2019-02-19. Review status: no assertion criteria provided. Collection method: clinical testing. Allele origin: germline.
Comment: This variant is classified as likely benign based on ACMG/AMP sequence variant interpretation guidelines (Richards et al. 2015 PMID: 25741868, with internal and published modifications).